The following is an entry in ClinVar:

NM_001098531.4(RAPGEF3):c.258C>T (p.Ser86=)

Gene: RAPGEF3 (Rap guanine nucleotide exchange factor 3; minus strand). Cytogenetic location: 12q13.11.
Variant type: single nucleotide variant.
Coding change: c.258C>T on transcript NM_001098531.4 (MANE Select); coding-DNA position 258, C replaced by T.
Protein change: p.Ser86=; no amino-acid change (serine 86 retained).
Molecular consequence: synonymous variant.
Genome position (GRCh38, 1-based): chr12:47,751,931, G>A on the plus strand (C>T on the coding strand, the complement: RAPGEF3 is on the minus strand). VCF-style: chr12-47751931-G-A. GRCh37 (hg19) VCF-style: chr12-48145714-G-A.
Other names: c.132C>T, p.Ser44= (NM_001098532.2, NM_006105.5).
Identifiers: ClinVar variation 2642921 (VCV002642921.24), dbSNP rs150920877, ClinGen allele CA6532252.

ClinVar aggregate classification (germline): Likely benign (1 of 4 stars; one submission).

Allele frequency attached by ClinVar (database versions not stated): 1000 Genomes Project 30x 0.00031; 1000 Genomes Project 0.00040; ExAC 0.00068; ESP Exome Variant Server 0.00092; gnomAD exomes 0.00117.
gnomAD v4.1: 1,792 of 1,614,154 alleles (0.11%); highest among the groups gnomAD compares: Middle Eastern, 0.18%; 2 homozygotes.

Submission:

CeGaT Center for Human Genetics Tuebingen
Classification: Likely benign. Last evaluated: 2022-12-01. Review status: criteria provided, single submitter. Criteria: CeGaT Center For Human Genetics Tuebingen Variant Classification Criteria Version 2. Collection method: clinical testing. Allele origin: germline. Affected: yes. Observed: 1 variant allele.
Comment: RAPGEF3: BP4, BP7